The following is an entry in ClinVar:

ClinVar aggregate classification (germline): Benign. Review status: criteria provided, multiple submitters, no conflicts (2 of 4 stars). 2 submissions from 2 submitters: Benign (2). Last evaluated 2018-06-19.

Allele frequency attached by ClinVar (database versions not stated): gnomAD 0.28732 and 0.29914; 1000 Genomes Project 0.38702; TOPMed 0.27818; gnomAD exomes 0.41435; 1000 Genomes Project 30x 0.36899.

Submissions (2):

GeneDx
Classification: Benign. Last evaluated: 2018-06-19. Review status: criteria provided, single submitter. Criteria: GeneDx Variant Classification (06012015). Collection method: clinical testing. Allele origin: germline. Affected: yes.
Comment: This variant is considered likely benign or benign based on one or more of the following criteria: it is a conservative change, it occurs at a poorly conserved position in the protein, it is predicted to be benign by multiple in silico algorithms, and/or has population frequency not consistent with disease.

Breakthrough Genomics
Classification: Benign. Review status: criteria provided, single submitter. Criteria: ACMG Guidelines, 2015. Collection method: not provided. Allele origin: germline. Inheritance: X-linked inheritance. Affected: yes.

NM_001184880.1(PCDH19):c.-1690C>T

Gene: PCDH19 (protocadherin 19; minus strand). Cytogenetic location: Xq22.1.
Variant type: single nucleotide variant.
Coding change: c.-1690C>T on transcript NM_001184880.1; 1690 bases upstream of the start codon, C replaced by T.
Genome position (GRCh38, 1-based): chrX:100,410,287, G>A on the plus strand (C>T on the coding strand, the complement: PCDH19 is on the minus strand). VCF-style: chrX-100410287-G-A. GRCh37 (hg19) VCF-style: chrX-99665285-G-A.
Identifiers: ClinVar variation 670593 (VCV000670593.4), dbSNP rs113897133, ClinGen allele CA333826279.